The following is an entry in ClinVar:

NM_138420.4(AHNAK2):c.8820T>G (p.Ser2940=)

Gene: AHNAK2 (AHNAK nucleoprotein 2; minus strand). Cytogenetic location: 14q32.33.
Variant type: single nucleotide variant.
Coding change: c.8820T>G on transcript NM_138420.4 (MANE Select); coding-DNA position 8820, T replaced by G.
Protein change: p.Ser2940=; no amino-acid change (serine 2940 retained).
Molecular consequence: synonymous variant.
Genome position (GRCh38, 1-based): chr14:104,946,631, A>C on the plus strand (T>G on the coding strand, the complement: AHNAK2 is on the minus strand). VCF-style: chr14-104946631-A-C. GRCh37 (hg19) VCF-style: chr14-105412968-A-C.
Other names: c.8520T>G, p.Ser2840= (NM_001350929.2).
Identifiers: ClinVar variation 4873339 (VCV004873339.2).

ClinVar aggregate classification (germline): Likely benign (1 of 4 stars; one submission).

Submission:

CeGaT Center for Human Genetics Tuebingen
Classification: Likely benign. Last evaluated: 2026-05-01. Review status: criteria provided, single submitter. Criteria: CeGaT Center For Human Genetics Tuebingen Variant Classification Criteria Version 2. Collection method: clinical testing. Allele origin: germline. Affected: yes. Observed: 1 variant allele.
Comment: AHNAK2: PM2:Supporting, BP4, BP7